The following is an entry in ClinVar:

NM_001040142.2(SCN2A):c.4877G>A (p.Arg1626Gln)

Gene: SCN2A (sodium voltage-gated channel alpha subunit 2; plus strand). Cytogenetic location: 2q24.3.
Variant type: single nucleotide variant.
Coding change: c.4877G>A on transcript NM_001040142.2 (MANE Select); coding-DNA position 4877, G replaced by A.
Protein change: p.Arg1626Gln; replaces arginine 1626 with glutamine.
Molecular consequence: missense variant.
Genome position (GRCh38, 1-based): chr2:165,388,683, G>A. VCF-style: chr2-165388683-G-A. GRCh37 (hg19) VCF-style: chr2-166245193-G-A.
Other names: p.R1626Q:CGA>CAA; c.4877G>A, p.Arg1626Gln (NM_001040143.2, NM_001371246.1, NM_001371247.1 and 1 more transcripts); short protein forms R1626Q.
Identifiers: ClinVar variation 207017 (VCV000207017.24), dbSNP rs796053155, ClinGen allele CA318012.
Genomic context (GRCh38, chr2:165,388,683, plus strand): 5'-CTACAGGAATGTTTCTGGCTGAACTGATAGAAAAGTATTTTGTGTCCCCTACCCTGTTCC[G>A]AGTGATCCGTCTTGCCAGGATTGGCCGAATCCTACGTCTGATCAAAGGAGCAAAGGGGAT-3'
Protein context (NP_001035232.1, residues 1616-1636): EKYFVSPTLF[Arg1626Gln]VIRLARIGRI

ClinVar aggregate classification (germline): Pathogenic. Review status: criteria provided, multiple submitters, no conflicts (2 of 4 stars). 7 submissions from 7 submitters: Pathogenic (6). 1 of the submissions does not count toward it. Last evaluated 2023-08-26.

Conditions:
Complex neurodevelopmental disorder. Identifiers: Orphanet 528084, MedGen C5568766, MONDO:0100038.
Developmental and epileptic encephalopathy, 11 (DEE11). Also called: Early infantile epileptic encephalopathy 11. Identifiers: Orphanet 1934, MedGen C3150987, MONDO:0013388, OMIM 613721.
SCN2A-related disorder. Also called: SCN2A-related disorders; SCN2A-related condition. Identifiers: MedGen CN382226, MONDO:1060245.
Seizures, benign familial infantile, 3 (BFIS3). Also called: Familial neonatal seizures; CONVULSIONS, BENIGN FAMILIAL INFANTILE, 3. Identifiers: Orphanet 140927, Orphanet 306, MedGen C1843140, MONDO:0011904, OMIM 607745.

Submissions (8):

GeneDx
Classification: Pathogenic. Last evaluated: 2023-08-26. Review status: criteria provided, single submitter. Criteria: GeneDx Variant Classification Process June 2021. Collection method: clinical testing. Allele origin: germline. Affected: yes.
Comment: Not observed at significant frequency in large population cohorts (gnomAD); Missense variants in this gene are often considered pathogenic (HGMD); In silico analysis supports that this missense variant has a deleterious effect on protein structure/function; This variant is associated with the following publications: (PMID: 25473036, 25937001, 29655203)

Rady Children's Institute for Genomic Medicine, Rady Children's Hospital San Diego
Classification: Pathogenic for SCN2A-related disorders. Last evaluated: 2023-06-30. Review status: criteria provided, single submitter. Criteria: ACMG Guidelines, 2015. Collection method: clinical testing. Allele origin: germline. Affected: yes.
Comment: The SCN2A gene is highly constrained (Z-score= 6.46 and pLI = 1), which suggests it is intolerant to variation. The c.4877G>A (p.Arg1626Gln) variant affects a highly conserved amino acid and is predicted by multiple in silico tools to have a deleterious effect on protein function. This variant has been previously reported as a heterozygous change in patients with SCN2A-related disorders, including individuals where the variant occurred de novo (PMID: 25473036, 25937001, 29655203, 35637276). The c.4877G>A (p.Arg1626Gln) variant is absent from the gnomAD population database and thus is presumed to be rare. Analysis of the parental samples was negative for the variant, indicating this variant likely occurred as a de novo event. Based on the available evidence, c.4877G>A (p.Arg1626Gln) is classified as Pathogenic.

Baylor Genetics
Classification: Pathogenic for Developmental and epileptic encephalopathy, 11. Last evaluated: 2023-01-31. Review status: criteria provided, single submitter. Criteria: ACMG Guidelines, 2015. Collection method: clinical testing. Allele origin: unknown.

Institute of Human Genetics Munich, TUM University Hospital
Classification: Pathogenic for Developmental and epileptic encephalopathy, 11. Last evaluated: 2020-12-15. Review status: criteria provided, single submitter. Criteria: Classification criteria August 2017. Collection method: clinical testing. Allele origin: de novo. Inheritance: Autosomal dominant inheritance. Affected: yes. Observed: 1 variant allele.

Labcorp Genetics (formerly Invitae), Labcorp
Classification: Pathogenic for Seizures, benign familial infantile, 3; Developmental and epileptic encephalopathy, 11. Last evaluated: 2019-12-04. Review status: criteria provided, single submitter. Criteria: Invitae Variant Classification Sherloc (09022015). Collection method: clinical testing. Allele origin: germline.
Comment: For these reasons, this variant has been classified as Pathogenic. Algorithms developed to predict the effect of missense changes on protein structure and function are either unavailable or do not agree on the potential impact of this missense change (SIFT: "Deleterious"; PolyPhen-2: "Probably Damaging"; Align-GVGD: "Class C0"). This variant has been observed in individual(s) with early infantile epileptic encephalopathy (PMID: 25937001, Invitae). In at least one individual the variant was observed to be de novo. ClinVar contains an entry for this variant (Variation ID: 207017). This variant is not present in population databases (ExAC no frequency). This sequence change replaces arginine with glutamine at codon 1626 of the SCN2A protein (p.Arg1626Gln). The arginine residue is highly conserved and there is a small physicochemical difference between arginine and glutamine.

Center for Pediatric Genomic Medicine, Children's Mercy Hospital and Clinics
Classification: Pathogenic. Last evaluated: 2014-05-19. Review status: criteria provided, single submitter. Criteria: ACMG Guidelines, 2015. Collection method: clinical testing. Allele origin: de novo.

PreventionGenetics, part of Exact Sciences
Classification: Likely pathogenic for SCN2A-related condition. Last evaluated: 2024-04-20. Review status: no assertion criteria provided. Collection method: clinical testing. Allele origin: germline. Not counted in ClinVar's aggregate classification.
Comment: The SCN2A c.4877G>A variant is predicted to result in the amino acid substitution p.Arg1626Gln. This variant has been reported in patients with SCN2A related disorders, including as a de novo finding (Soden et al. 2014. PubMed ID: 25473036; Willig et al. 2015. PubMed ID: 25937001; Lindy et al. 2018. PubMed ID: 29655203). This variant has not been reported in a large population database, indicating this variant is rare. This variant is interpreted as likely pathogenic.

Channelopathy-Associated Epilepsy Research Center
No classification provided (evidence only). Condition: Complex neurodevelopmental disorder. Review status: no classification provided. Collection method: literature only. Allele origin: not applicable. Functional consequence: Mild increase in peak current, Normal voltage dependence of activation, Normal slope of activation, Moderate depolarizing shift of voltage dependence of fast inactivation, Increase in slope of fast inactivation, Mild-moderate slowing of recovery from fast inactivation, Normal recovery from slow inactivation, Mild slowing of fast inactivation, Increase in ramp current, Normal persistent current. Not counted in ClinVar's aggregate classification.
ClinVar note: "not provided" was previously submitted as the classification for the variant. However, the classification appeared to be based only on an observation of functional data so it was converted to no classification on 2025-07-30.

Literature cited by the submitters: PubMed 25473036 (cited by Rady Children's Institute for Genomic Medicine, Rady Children's Hospital San Diego); PubMed 25937001 (cited by Rady Children's Institute for Genomic Medicine, Rady Children's Hospital San Diego and Labcorp Genetics (formerly Invitae), Labcorp); PubMed 29655203 (cited by Rady Children's Institute for Genomic Medicine, Rady Children's Hospital San Diego); PubMed 35637276 (cited by Rady Children's Institute for Genomic Medicine, Rady Children's Hospital San Diego); PubMed 25326635 (cited by Baylor Genetics); PubMed 37578743 (cited by Channelopathy-Associated Epilepsy Research Center).